The following is an entry in ClinVar:

ClinVar aggregate classification (germline): Uncertain significance (1 of 4 stars; one submission).

Submission:

Labcorp Genetics (formerly Invitae), Labcorp
Classification: Uncertain significance. Last evaluated: 2022-05-30. Review status: criteria provided, single submitter. Criteria: Invitae Variant Classification Sherloc (09022015). Collection method: clinical testing. Allele origin: germline.
Comment: This variant results in a copy number gain of the genomic region encompassing exon(s) 2-6 of the IKZF1 gene. This region includes the initiator codon of the gene. This copy number gain extends beyond the assayed region for this gene and therefore may encompass additional genes. As the precise location of this event is unknown, it may be in tandem or it may be located elsewhere in the genome. This variant has not been reported in the literature in individuals affected with IKZF1-related conditions. Experimental studies and prediction algorithms are not available or were not evaluated, and the functional significance of this variant is currently unknown. In summary, the available evidence is currently insufficient to determine the role of this variant in disease. Therefore, it has been classified as a Variant of Uncertain Significance.

NC_000007.13:g.(?_50358658)_(50455188_?)dup

Gene: IKZF1 (IKAROS family zinc finger 1; plus strand). Cytogenetic location: 7p12.2.
Variant type: Duplication.
Identifiers: ClinVar variation 2425489 (VCV002425489.4).